The following is an entry in ClinVar:

NM_007118.4(TRIO):c.5639T>C (p.Leu1880Pro)

Gene: TRIO (trio Rho guanine nucleotide exchange factor; plus strand). Cytogenetic location: 5p15.2.
Variant type: single nucleotide variant.
Coding change: c.5639T>C on transcript NM_007118.4 (MANE Select); coding-DNA position 5639, T replaced by C.
Protein change: p.Leu1880Pro; replaces leucine 1880 with proline.
Molecular consequence: missense variant. On other transcripts: non-coding transcript variant (1).
Genome position (GRCh38, 1-based): chr5:14,462,897, T>C. VCF-style: chr5-14462897-T-C. GRCh37 (hg19) VCF-style: chr5-14463006-T-C.
Other names: short protein forms L1880P.
Identifiers: ClinVar variation 3372136 (VCV003372136.1).

ClinVar aggregate classification (germline): Uncertain significance (1 of 4 stars; one submission).

Submission:

GeneDx
Classification: Uncertain significance. Last evaluated: 2024-04-25. Review status: criteria provided, single submitter. Criteria: GeneDx Variant Classification Process June 2021. Collection method: clinical testing. Allele origin: germline. Affected: yes.
Comment: Not observed at significant frequency in large population cohorts (gnomAD); In silico analysis indicates that this missense variant does not alter protein structure/function; Has not been previously published as pathogenic or benign to our knowledge